The following is an entry in ClinVar:

ClinVar aggregate classification (germline): Likely benign (1 of 4 stars; one submission).

Submission:

GeneDx
Classification: Likely benign. Last evaluated: 2017-08-10. Review status: criteria provided, single submitter. Criteria: GeneDx Variant Classification (06012015). Collection method: clinical testing. Allele origin: germline. Affected: yes.
Comment: This variant is considered likely benign or benign based on one or more of the following criteria: it is a conservative change, it occurs at a poorly conserved position in the protein, it is predicted to be benign by multiple in silico algorithms, and/or has population frequency not consistent with disease.

NM_004333.6(BRAF):c.711+15A>G

Gene: BRAF (B-Raf proto-oncogene, serine/threonine kinase; minus strand). Cytogenetic location: 7q34.
Variant type: single nucleotide variant.
Coding change: c.711+15A>G on transcript NM_004333.6 (MANE Select); 15 bases into the intron after coding-DNA position 711, A replaced by G.
Molecular consequence: intron variant.
Genome position (GRCh38, 1-based): chr7:140,807,945, T>C on the plus strand (A>G on the coding strand, the complement: BRAF is on the minus strand). VCF-style: chr7-140807945-T-C. GRCh37 (hg19) VCF-style: chr7-140507745-T-C.
Other names: c.711+15A>G (NM_001378474.1, NM_001378471.1, NM_001378468.1 and 4 more transcripts); c.609+15A>G (NM_001378470.1); c.447+15A>G (NM_001378475.1); c.720+15A>G (NM_001378467.1); c.555+15A>G (NM_001378472.1, NM_001378473.1).
Identifiers: ClinVar variation 511417 (VCV000511417.1), dbSNP rs1554404457, ClinGen allele CA658797019.